The following is an entry in ClinVar:

ClinVar aggregate classification (germline): Uncertain significance. Review status: criteria provided, multiple submitters, no conflicts (2 of 4 stars). 2 submissions from 2 submitters: Uncertain significance (2). Last evaluated 2025-10-01.

Conditions:
Inborn genetic diseases. Identifiers: MedGen C0950123, MeSH D030342.
Drash syndrome (DDS). Also called: NEPHROPATHY, WILMS TUMOR, AND GENITAL ANOMALIES; WILMS TUMOR AND PSEUDO- OR TRUE HERMAPHRODITISM. Identifiers: Orphanet 220, MedGen C0950121, MONDO:0008682, OMIM 194080.
Wilms tumor 1 (WT1). Also called: Wilms tumor, somatic. Identifiers: Orphanet 654, MedGen CN033288, MONDO:0008679, OMIM 194070.
11p partial monosomy syndrome (WAGR). Also called: WAGR syndrome; WAGR Complex; CHROMOSOME 11p13 DELETION SYNDROME; WAGR Spectrum Disorder. Identifiers: Orphanet 893, MedGen C0206115, MONDO:0008681, OMIM 194072.
Frasier syndrome. Identifiers: Orphanet 347, MedGen C0950122, MeSH D052159, MONDO:0007635, OMIM 136680.

Allele frequency attached by ClinVar (database versions not stated): ExAC 0.00001.

Submissions (2):

Ambry Genetics
Classification: Uncertain significance for Inborn genetic diseases. Last evaluated: 2025-10-01. Review status: criteria provided, single submitter. Criteria: Ambry Variant Classification Scheme 2023. Collection method: clinical testing. Allele origin: germline.
Comment: The p.D424N variant (also known as c.1270G>A), located in coding exon 8 of the WT1 gene, results from a G to A substitution at nucleotide position 1270. The aspartic acid at codon 424 is replaced by asparagine, an amino acid with highly similar properties. This amino acid position is conserved. In addition, this alteration is predicted to be tolerated by in silico analysis. Based on the available evidence, the clinical significance of this variant remains unclear.

Labcorp Genetics (formerly Invitae), Labcorp
Classification: Uncertain significance for Wilms tumor 1; Drash syndrome; 11p partial monosomy syndrome; Frasier syndrome. Last evaluated: 2022-06-20. Review status: criteria provided, single submitter. Criteria: Invitae Variant Classification Sherloc (09022015). Collection method: clinical testing. Allele origin: germline.
Comment: This sequence change replaces aspartic acid, which is acidic and polar, with asparagine, which is neutral and polar, at codon 424 of the WT1 protein (p.Asp424Asn). This variant is present in population databases (rs771494968, gnomAD 0.0009%). This variant has not been reported in the literature in individuals affected with WT1-related conditions. Algorithms developed to predict the effect of missense changes on protein structure and function are either unavailable or do not agree on the potential impact of this missense change (SIFT: "Deleterious"; PolyPhen-2: "Probably Damaging"; Align-GVGD: "Class C15"). In summary, the available evidence is currently insufficient to determine the role of this variant in disease. Therefore, it has been classified as a Variant of Uncertain Significance.

NM_024426.6(WT1):c.1285G>A (p.Asp429Asn)

Gene: WT1 (WT1 transcription factor; minus strand). Cytogenetic location: 11p13.
Variant type: single nucleotide variant.
Coding change: c.1285G>A on transcript NM_024426.6 (MANE Select); coding-DNA position 1285, G replaced by A.
Protein change: p.Asp429Asn; replaces aspartic acid 429 with asparagine.
Molecular consequence: missense variant. On other transcripts: non-coding transcript variant (1).
Genome position (GRCh38, 1-based): chr11:32,392,735, C>T on the plus strand (G>A on the coding strand, the complement: WT1 is on the minus strand). VCF-style: chr11-32392735-C-T. GRCh37 (hg19) VCF-style: chr11-32414281-C-T.
Other names: c.1234G>A, p.Asp412Asn (NM_000378.6, NM_001407045.1, NM_001407049.1); c.634G>A, p.Asp212Asn (NM_001198551.2); c.583G>A, p.Asp195Asn (NM_001198552.2); c.97G>A, p.Asp33Asn (NM_001367854.1); c.1279G>A, p.Asp427Asn (NM_001407044.1); c.1285G>A, p.Asp429Asn (NM_001407046.1, NM_024424.5); c.1162G>A, p.Asp388Asn (NM_001407047.1); c.1111G>A, p.Asp371Asn (NM_001407050.1); and 3 more; short protein forms D388N, D427N, D175N, D424N, D429N, D212N, D33N, D407N.
Identifiers: ClinVar variation 1980379 (VCV001980379.2), dbSNP rs771494968, ClinGen allele CA064441.